The following is an entry in ClinVar:

ClinVar aggregate classification (germline): Conflicting classifications of pathogenicity. Review status: criteria provided, conflicting classifications (1 of 4 stars). 5 submissions from 5 submitters: Uncertain significance (4); Likely benign (1). Last evaluated 2024-09-23.

Conditions:
Galloway-Mowat syndrome 1 (GAMOS1). Identifiers: Orphanet 2065, Orphanet 83472, MedGen C4551772, MONDO:0033005, OMIM 251300.

Allele frequency attached by ClinVar (database versions not stated): gnomAD 0.00014 and 0.00016; ESP Exome Variant Server 0.00016; gnomAD exomes 0.00016 and 0.00027; ExAC 0.00017; TOPMed 0.00019.
gnomAD v4.1: 412 of 1,602,552 alleles (0.026%); highest among the groups gnomAD compares: Middle Eastern, 0.13%; no homozygotes.

Submissions (7):

GeneDx
Classification: Uncertain significance. Last evaluated: 2024-09-23. Review status: criteria provided, single submitter. Criteria: GeneDx Variant Classification Process June 2021. Collection method: clinical testing. Allele origin: germline. Affected: yes.
Comment: Reported in the apparently homozygous state in a patient with speech delay from a cohort of individuals who underwent clinical exome sequencing; further specific clinical details were not provided in this report (PMID: 31130284); In silico analysis indicates that this missense variant does not alter protein structure/function; In silico analysis supports a deleterious effect on splicing; This variant is associated with the following publications: (PMID: 31130284)

3billion
Classification: Likely benign for Galloway-Mowat syndrome 1. Last evaluated: 2024-09-20. Review status: criteria provided, single submitter. Criteria: ACMG Guidelines, 2015. Collection method: clinical testing. Allele origin: germline. Affected: no.
Comment: The homozygous variant was found in patients diagnosed with another variant in a different gene, with no symptoms related to the gene containing the homozygous variant.

Fulgent Genetics
Classification: Uncertain significance for Galloway-Mowat syndrome 1. Last evaluated: 2024-04-04. Review status: criteria provided, single submitter. Criteria: ACMG Guidelines, 2015. Collection method: clinical testing. Allele origin: germline.

Labcorp Genetics (formerly Invitae), Labcorp
Classification: Uncertain significance. Last evaluated: 2024-01-22. Review status: criteria provided, single submitter. Criteria: Invitae Variant Classification Sherloc (09022015). Collection method: clinical testing. Allele origin: germline.
Comment: This sequence change replaces aspartic acid, which is acidic and polar, with glutamic acid, which is acidic and polar, at codon 118 of the WDR73 protein (p.Asp118Glu). This variant is present in population databases (rs201827208, gnomAD 0.03%). This missense change has been observed in individual(s) with clinical features of WDR73-related conditions (PMID: 31130284). ClinVar contains an entry for this variant (Variation ID: 1194019). An algorithm developed to predict the effect of missense changes on protein structure and function (PolyPhen-2) suggests that this variant is likely to be disruptive. In summary, the available evidence is currently insufficient to determine the role of this variant in disease. Therefore, it has been classified as a Variant of Uncertain Significance.

Revvity Omics, Revvity
Classification: Uncertain significance for Galloway-Mowat syndrome 1. Last evaluated: 2022-06-29. Review status: criteria provided, single submitter. Criteria: ACMG Guidelines, 2015. Collection method: clinical testing. Allele origin: germline.

Dr. Peter K. Rogan Lab, Western University
No classification provided (evidence only). Condition: Cervical cancer. Review status: no classification provided. Collection method: in vitro. Allele origin: not applicable. Functional consequence: retained intron. Not counted in ClinVar's aggregate classification.

Dr. Peter K. Rogan Lab, Western University
No classification provided (evidence only). Condition: Gastric cancer. Review status: no classification provided. Collection method: in vitro. Allele origin: not applicable. Functional consequence: retained intron. Not counted in ClinVar's aggregate classification.

Literature cited by the submitters: PubMed 31130284 (cited by Labcorp Genetics (formerly Invitae), Labcorp).

NM_032856.5(WDR73):c.354T>G (p.Asp118Glu)

Gene: WDR73 (WD repeat domain 73; minus strand). Cytogenetic location: 15q25.2.
Variant type: single nucleotide variant.
Coding change: c.354T>G on transcript NM_032856.5 (MANE Select); coding-DNA position 354, T replaced by G.
Protein change: p.Asp118Glu; replaces aspartic acid 118 with glutamic acid.
Molecular consequence: missense variant. On other transcripts: non-coding transcript variant (4).
Genome position (GRCh38, 1-based): chr15:84,646,347, A>C on the plus strand (T>G on the coding strand, the complement: WDR73 is on the minus strand). VCF-style: chr15-84646347-A-C. GRCh37 (hg19) VCF-style: chr15-85189578-A-C.
Other names: c.354T>G (NM_032856.4); short protein forms D118E.
Identifiers: ClinVar variation 1194019 (VCV001194019.14), dbSNP rs201827208, ClinGen allele CA7707412.